The following is an entry in ClinVar:

NM_000051.4(ATM):c.8967A>G (p.Gln2989=)

Genes: ATM (ATM serine/threonine kinase; plus strand), C11orf65 (chromosome 11 open reading frame 65; minus strand). Cytogenetic location: 11q22.3.
Variant type: single nucleotide variant.
Coding change: c.8967A>G on transcript NM_000051.4 (MANE Select); coding-DNA position 8967, A replaced by G.
Protein change: p.Gln2989=; no amino-acid change (glutamine 2989 retained).
Molecular consequence: synonymous variant. On other transcripts: intron variant (2).
Genome position (GRCh38, 1-based): chr11:108,365,198, A>G. VCF-style: chr11-108365198-A-G. GRCh37 (hg19) VCF-style: chr11-108235925-A-G.
Other names: c.8967A>G, p.Gln2989= (NM_001351834.2); c.640+20722T>C (NM_001330368.2); c.694+20722T>C (NM_001351110.2).
Identifiers: ClinVar variation 231221 (VCV000231221.54), dbSNP rs876659033, ClinGen allele CA10579328.

ClinVar aggregate classification (germline): Benign/Likely benign. Review status: criteria provided, multiple submitters, no conflicts (2 of 4 stars). 4 submissions from 4 submitters: Benign (1); Likely benign (3). Last evaluated 2025-12-08.

Conditions:
Hereditary cancer-predisposing syndrome. Also called: Neoplastic Syndromes, Hereditary; Hereditary neoplastic syndrome; Tumor predisposition; Hereditary Cancer Syndrome. Identifiers: Orphanet 140162, MedGen C0027672, MeSH D009386, MONDO:0015356.
Ataxia-telangiectasia syndrome (AT). Also called: Ataxia telangiectasia (A-T); Cerebello-oculocutaneous telangiectasia; Immunodeficiency with ataxia telangiectasia; LOUIS-BAR SYNDROME; AT, COMPLEMENTATION GROUP C; ATAXIA-TELANGIECTASIA, FRESNO VARIANT. Identifiers: Orphanet 100, MedGen C0004135, MONDO:0008840, OMIM 208900.
Familial cancer of breast. Also called: hereditary breast carcinoma; Hereditary breast cancer; BREAST CANCER, FAMILIAL. Identifiers: Orphanet 227535, MedGen C0346153, MONDO:0016419, OMIM 114480. Disease mechanism: loss of function.

Allele frequency attached by ClinVar (database versions not stated): TOPMed below 0.00001.

Submissions (4):

Labcorp Genetics (formerly Invitae), Labcorp
Classification: Likely benign for Ataxia-telangiectasia syndrome. Last evaluated: 2025-12-08. Review status: criteria provided, single submitter. Criteria: Invitae Variant Classification Sherloc (09022015). Collection method: clinical testing. Allele origin: germline.

Myriad Genetics, Inc.
Classification: Benign for Familial cancer of breast. Last evaluated: 2024-06-24. Review status: criteria provided, single submitter. Criteria: Myriad Autosomal Dominant, Autosomal Recessive and X-Linked Classification Criteria (2023). Collection method: clinical testing. Allele origin: unknown.
Comment: This variant is considered benign. This variant is a silent/synonymous amino acid change and it is not expected to impact splicing.

Color Diagnostics, LLC DBA Color Health
Classification: Likely benign for Hereditary cancer-predisposing syndrome. Last evaluated: 2018-11-28. Review status: criteria provided, single submitter. Criteria: ACMG Guidelines, 2015. Collection method: clinical testing. Allele origin: germline.

Ambry Genetics
Classification: Likely benign for Hereditary cancer-predisposing syndrome. Last evaluated: 2015-03-25. Review status: criteria provided, single submitter. Criteria: Ambry Variant Classification Scheme 2023. Collection method: clinical testing. Allele origin: germline.